The following is an entry in ClinVar:

ClinVar aggregate classification (germline): Uncertain significance (1 of 4 stars; one submission).

Allele frequency attached by ClinVar (database versions not stated): gnomAD exomes below 0.00001.
gnomAD v4.1: 2 of 1,551,690 alleles (0.00013%); highest among the groups gnomAD compares: Admixed American, 0.002%; no homozygotes.

Submission:

GeneDx
Classification: Uncertain significance. Last evaluated: 2026-01-20. Review status: criteria provided, single submitter. Criteria: GeneDx Variant Classification Process June 2021. Collection method: clinical testing. Allele origin: germline.
Comment: Has not been previously published as pathogenic or benign to our knowledge; In silico analysis supports that this missense variant has a deleterious effect on protein structure/function; Not observed at significant frequency in large population cohorts (gnomAD)

NM_012309.5(SHANK2):c.236C>T (p.Thr79Ile)

Gene: SHANK2 (SH3 and multiple ankyrin repeat domains 2; minus strand). Cytogenetic location: 11q13.4.
Variant type: single nucleotide variant.
Coding change: c.236C>T on transcript NM_012309.5 (MANE Select); coding-DNA position 236, C replaced by T.
Protein change: p.Thr79Ile; replaces threonine 79 with isoleucine.
Molecular consequence: missense variant.
Genome position (GRCh38, 1-based): chr11:71,119,004, G>A on the plus strand (C>T on the coding strand, the complement: SHANK2 is on the minus strand). VCF-style: chr11-71119004-G-A. GRCh37 (hg19) VCF-style: chr11-70830050-G-A.
Other names: short protein forms T79I.
Identifiers: ClinVar variation 2663705 (VCV002663705.2), dbSNP rs2502057697, ClinGen allele CA381960181.